The following is an entry in ClinVar:

NM_001366110.1(PAX4):c.677G>T (p.Arg226Leu)

Gene: PAX4 (paired box 4; minus strand). Cytogenetic location: 7q32.1.
Variant type: single nucleotide variant.
Coding change: c.677G>T on transcript NM_001366110.1 (MANE Select); coding-DNA position 677, G replaced by T.
Protein change: p.Arg226Leu; replaces arginine 226 with leucine.
Molecular consequence: missense variant.
Genome position (GRCh38, 1-based): chr7:127,613,060, C>A on the plus strand (G>T on the coding strand, the complement: PAX4 is on the minus strand). VCF-style: chr7-127613060-C-A. GRCh37 (hg19) VCF-style: chr7-127253114-C-A.
Other names: c.677G>T, p.Arg226Leu (NM_001366111.1); short protein forms R226L.
Identifiers: ClinVar variation 2970834 (VCV002970834.3), dbSNP rs375472849, ClinGen allele CA4467985.

ClinVar aggregate classification (germline): Uncertain significance (1 of 4 stars; one submission).

gnomAD v4.1: 21 of 1,613,348 alleles (0.0013%); highest among the groups gnomAD compares: Admixed American, 0.0033%; no homozygotes.

Submission:

Labcorp Genetics (formerly Invitae), Labcorp
Classification: Uncertain significance. Last evaluated: 2025-05-30. Review status: criteria provided, single submitter. Criteria: Invitae Variant Classification Sherloc (09022015). Collection method: clinical testing. Allele origin: germline.
Comment: This sequence change replaces arginine, which is basic and polar, with leucine, which is neutral and non-polar, at codon 218 of the PAX4 protein (p.Arg218Leu). This variant is present in population databases (rs375472849, gnomAD 0.003%). This variant has not been reported in the literature in individuals affected with PAX4-related conditions. ClinVar contains an entry for this variant (Variation ID: 2970834). An algorithm developed to predict the effect of missense changes on protein structure and function (PolyPhen-2) suggests that this variant is likely to be disruptive. In summary, the available evidence is currently insufficient to determine the role of this variant in disease. Therefore, it has been classified as a Variant of Uncertain Significance.